The following is an entry in ClinVar:

ClinVar aggregate classification (germline): Benign (1 of 4 stars; one submission).

Allele frequency attached by ClinVar (database versions not stated): TOPMed 0.18919; 1000 Genomes Project 0.19389; 1000 Genomes Project 30x 0.19488; gnomAD 0.20278.
gnomAD v4.1: 29,376 of 152,096 alleles (19%); highest among the groups gnomAD compares: African/African-American, 30%; 3,228 homozygotes.

Submission:

GeneDx
Classification: Benign. Last evaluated: 2018-06-14. Review status: criteria provided, single submitter. Criteria: GeneDx Variant Classification (06012015). Collection method: clinical testing. Allele origin: germline. Affected: yes.
Comment: This variant is considered likely benign or benign based on one or more of the following criteria: it is a conservative change, it occurs at a poorly conserved position in the protein, it is predicted to be benign by multiple in silico algorithms, and/or has population frequency not consistent with disease.

NM_001256545.2(MEGF10):c.2105-272A>C

Gene: MEGF10 (multiple EGF like domains 10; plus strand). Cytogenetic location: 5q23.2.
Variant type: single nucleotide variant.
Coding change: c.2105-272A>C on transcript NM_001256545.2 (MANE Select); 272 bases into the intron before coding-DNA position 2105, A replaced by C.
Molecular consequence: intron variant.
Genome position (GRCh38, 1-based): chr5:127,438,167, A>C. VCF-style: chr5-127438167-A-C. GRCh37 (hg19) VCF-style: chr5-126773859-A-C.
Other names: c.2105-272A>C (NM_032446.3).
Identifiers: ClinVar variation 671492 (VCV000671492.1), dbSNP rs2408871, ClinGen allele CA12074078.
Genomic context (GRCh38, chr5:127,438,167, plus strand): 5'-ATCTCCCTTGGGCCTGGAACAGTGTTGGGTACATAATAGGTGTTGAATATGTGTTTGTTT[A>C]ATAACTGAATCTGTAAACTTGAGGTGATTTTTGCCCCAGCCACCTCACTCTGCAGTTGTA-3'